The following is an entry in ClinVar:

NM_001042492.3(NF1):c.770C>G (p.Ala257Gly)

Gene: NF1 (neurofibromin 1; plus strand). Cytogenetic location: 17q11.2.
Variant type: single nucleotide variant.
Coding change: c.770C>G on transcript NM_001042492.3 (MANE Select); coding-DNA position 770, C replaced by G.
Protein change: p.Ala257Gly; replaces alanine 257 with glycine.
Molecular consequence: missense variant.
Genome position (GRCh38, 1-based): chr17:31,182,547, C>G. VCF-style: chr17-31182547-C-G. GRCh37 (hg19) VCF-style: chr17-29509565-C-G.
Other names: c.770C>G, p.Ala257Gly (NM_000267.4, NM_001128147.3); short protein forms A257G.
Identifiers: ClinVar variation 1717902 (VCV001717902.5), dbSNP rs2143785365, ClinGen allele CA398990739.

ClinVar aggregate classification (germline): Uncertain significance (1 of 4 stars; one submission).

Conditions:
Neurofibromatosis, type 1 (NF1). Also called: Peripheral type neurofibromatosis; VON RECKLINGHAUSEN DISEASE; NEUROFIBROMATOSIS, TYPE I, SOMATIC; Neurofibromatosis, type I. Identifiers: Orphanet 636, MedGen C0027831, MONDO:0018975, OMIM 162200. Disease mechanism: loss of function.

Submission:

Labcorp Genetics (formerly Invitae), Labcorp
Classification: Uncertain significance for Neurofibromatosis, type 1. Last evaluated: 2022-08-23. Review status: criteria provided, single submitter. Criteria: Invitae Variant Classification Sherloc (09022015). Collection method: clinical testing. Allele origin: germline.
Comment: In summary, the available evidence is currently insufficient to determine the role of this variant in disease. Therefore, it has been classified as a Variant of Uncertain Significance. Advanced modeling of protein sequence and biophysical properties (such as structural, functional, and spatial information, amino acid conservation, physicochemical variation, residue mobility, and thermodynamic stability) performed at Invitae indicates that this missense variant is expected to disrupt NF1 protein function. This variant has not been reported in the literature in individuals affected with NF1-related conditions. This variant is not present in population databases (gnomAD no frequency). This sequence change replaces alanine, which is neutral and non-polar, with glycine, which is neutral and non-polar, at codon 257 of the NF1 protein (p.Ala257Gly).